The following is an entry in ClinVar:

NM_001032283.3(TMPO):c.407-203T>C

Gene: TMPO (thymopoietin; plus strand). Cytogenetic location: 12q23.1.
Variant type: single nucleotide variant.
Coding change: c.407-203T>C on transcript NM_001032283.3 (MANE Select); 203 bases into the intron before coding-DNA position 407, T replaced by C.
Molecular consequence: intron variant.
Genome position (GRCh38, 1-based): chr12:98,531,477, T>C. VCF-style: chr12-98531477-T-C. GRCh37 (hg19) VCF-style: chr12-98925255-T-C.
Other names: c.407-203T>C (NM_003276.2, NM_001307975.2, NM_001032284.3).
Identifiers: ClinVar variation 672961 (VCV000672961.2), dbSNP rs61934004, ClinGen allele CA13652961.

ClinVar aggregate classification (germline): Benign. Review status: criteria provided, multiple submitters, no conflicts (2 of 4 stars). 2 submissions from 2 submitters: Benign (2). Last evaluated 2018-06-14.

Allele frequency attached by ClinVar (database versions not stated): 1000 Genomes Project 30x 0.53061; 1000 Genomes Project 0.53315; TOPMed 0.55695; gnomAD 0.56731 and 0.57054.
gnomAD v4.1: 85,604 of 151,272 alleles (57%); highest among the groups gnomAD compares: African/African-American, 64%; 24,550 homozygotes.

Submissions (2):

GeneDx
Classification: Benign. Last evaluated: 2018-06-14. Review status: criteria provided, single submitter. Criteria: GeneDx Variant Classification (06012015). Collection method: clinical testing. Allele origin: germline. Affected: yes.
Comment: This variant is considered likely benign or benign based on one or more of the following criteria: it is a conservative change, it occurs at a poorly conserved position in the protein, it is predicted to be benign by multiple in silico algorithms, and/or has population frequency not consistent with disease.

Breakthrough Genomics
Classification: Benign. Review status: criteria provided, single submitter. Criteria: ACMG Guidelines, 2015. Collection method: not provided. Allele origin: germline. Inheritance: Unknown mechanism. Affected: yes.